The following is an entry in ClinVar:

ClinVar aggregate classification (germline): Conflicting classifications of pathogenicity. Review status: criteria provided, conflicting classifications (1 of 4 stars). 8 submissions from 8 submitters: Uncertain significance (6); Likely benign (2). Last evaluated 2026-07-08.

Conditions:
Hereditary cancer-predisposing syndrome. Also called: Hereditary Cancer Syndrome; Tumor predisposition; Hereditary neoplastic syndrome; Neoplastic Syndromes, Hereditary. Identifiers: Orphanet 140162, MedGen C0027672, MeSH D009386, MONDO:0015356.
Intellectual disability, autosomal dominant 16 (CSS4). Also called: COFFIN-SIRIS SYNDROME 4. Identifiers: Orphanet 1465, MedGen C3553249, MONDO:0013821, OMIM 614609.
Rhabdoid tumor predisposition syndrome 2 (RTPS2). Identifiers: Orphanet 231108, Orphanet 69077, MedGen C2750074, MONDO:0013224, OMIM 613325.

Allele frequency attached by ClinVar (database versions not stated): TOPMed 0.00002; gnomAD 0.00003; ExAC 0.00002; gnomAD exomes 0.00006 and 0.00002; ESP Exome Variant Server 0.00008.
gnomAD v4.1: 90 of 1,612,404 alleles (0.0056%); highest among the groups gnomAD compares: Non-Finnish European, 0.0072%; no homozygotes.

Submissions (8):

Myriad Genetics, Inc.
Classification: Likely benign for Rhabdoid tumor predisposition syndrome 2. Last evaluated: 2026-07-08. Review status: criteria provided, single submitter. Criteria: Myriad Autosomal Dominant, Autosomal Recessive and X-Linked Classification Criteria (2023). Collection method: clinical testing. Allele origin: unknown.
Comment: This variant is considered likely benign. This variant has been observed at a population frequency that is significantly greater than expected given the associated disease prevalence and penetrance.

Labcorp Genetics (formerly Invitae), Labcorp
Classification: Uncertain significance for Rhabdoid tumor predisposition syndrome 2. Last evaluated: 2026-01-25. Review status: criteria provided, single submitter. Criteria: Invitae Variant Classification Sherloc (09022015). Collection method: clinical testing. Allele origin: germline.
Comment: This sequence change replaces alanine, which is neutral and non-polar, with threonine, which is neutral and polar, at codon 1451 of the SMARCA4 protein (p.Ala1451Thr). This variant is present in population databases (rs374722116, gnomAD 0.005%). This variant has not been reported in the literature in individuals affected with SMARCA4-related conditions. ClinVar contains an entry for this variant (Variation ID: 238467). Invitae Evidence Modeling of protein sequence and biophysical properties (such as structural, functional, and spatial information, amino acid conservation, physicochemical variation, residue mobility, and thermodynamic stability) indicates that this missense variant is not expected to disrupt SMARCA4 protein function with a negative predictive value of 95%. In summary, the available evidence is currently insufficient to determine the role of this variant in disease. Therefore, it has been classified as a Variant of Uncertain Significance.

GeneDx
Classification: Uncertain significance. Last evaluated: 2024-06-05. Review status: criteria provided, single submitter. Criteria: GeneDx Variant Classification Process June 2021. Collection method: clinical testing. Allele origin: germline. Affected: yes.
Comment: In silico analysis indicates that this missense variant does not alter protein structure/function; Has not been previously published as pathogenic or benign to our knowledge

Quest Diagnostics Nichols Institute San Juan Capistrano
Classification: Uncertain significance. Last evaluated: 2024-05-03. Review status: criteria provided, single submitter. Criteria: Quest Diagnostics criteria. Collection method: clinical testing. Allele origin: unknown.
Comment: The SMARCA4 c.4351G>A (p.Ala1451Thr) variant has not been reported in individuals with SMARCA4-related conditions in the published literature. The frequency of this variant in the general population, 0.000045 (5/112226 chromosomes (Genome Aggregation Database)), is uninformative in the assessment of its pathogenicity. Analysis of this variant using bioinformatics tools for the prediction of the effect of amino acid changes on protein structure and function yielded predictions that this variant is benign. Based on the available information, we are unable to determine the clinical significance of this variant.

Baylor Genetics
Classification: Uncertain significance for Rhabdoid tumor predisposition syndrome 2. Last evaluated: 2023-10-20. Review status: criteria provided, single submitter. Criteria: ACMG Guidelines, 2015. Collection method: clinical testing. Allele origin: unknown.

Genome-Nilou Lab
Classification: Uncertain significance for Intellectual disability, autosomal dominant 16. Last evaluated: 2021-07-15. Review status: criteria provided, single submitter. Criteria: ACMG Guidelines, 2015. Collection method: clinical testing. Allele origin: germline. Affected: no.

Ambry Genetics
Classification: Likely benign for Hereditary cancer-predisposing syndrome. Last evaluated: 2021-03-17. Review status: criteria provided, single submitter. Criteria: Ambry Variant Classification Scheme 2023. Collection method: clinical testing. Allele origin: germline.

Fulgent Genetics
Classification: Uncertain significance for Rhabdoid tumor predisposition syndrome 2; Intellectual disability, autosomal dominant 16. Last evaluated: 2018-10-31. Review status: criteria provided, single submitter. Criteria: ACMG Guidelines, 2015. Collection method: clinical testing. Allele origin: unknown.

NM_003072.5(SMARCA4):c.4255G>A (p.Ala1419Thr)

Gene: SMARCA4 (SWI/SNF related BAF chromatin remodeling complex subunit ATPase 4; plus strand). Cytogenetic location: 19p13.2.
Variant type: single nucleotide variant.
Coding change: c.4255G>A on transcript NM_003072.5 (MANE Select); coding-DNA position 4255, G replaced by A.
Protein change: p.Ala1419Thr; replaces alanine 1419 with threonine.
Molecular consequence: missense variant. On other transcripts: non-coding transcript variant (1).
Genome position (GRCh38, 1-based): chr19:11,041,391, G>A. VCF-style: chr19-11041391-G-A. GRCh37 (hg19) VCF-style: chr19-11152067-G-A.
Other names: c.4351G>A, p.Ala1451Thr (NM_001387283.1, NM_001128849.3); c.4255G>A, p.Ala1419Thr (NM_001128844.3); c.4165G>A, p.Ala1389Thr (NM_001128845.2, NM_001128846.2); c.4156G>A, p.Ala1386Thr (NM_001128847.4, NM_001128848.2, NM_001374457.1); short protein forms A1451T, A1386T, A1389T, A1419T.
Identifiers: ClinVar variation 238467 (VCV000238467.21), dbSNP rs374722116, ClinGen allele CA9204685.